The following is an entry in ClinVar:

ClinVar aggregate classification (germline): Uncertain significance (1 of 4 stars; one submission).

Conditions:
Hereditary cancer-predisposing syndrome. Also called: Hereditary neoplastic syndrome; Neoplastic Syndromes, Hereditary; Hereditary Cancer Syndrome; Tumor predisposition. Identifiers: Orphanet 140162, MedGen C0027672, MeSH D009386, MONDO:0015356.

Submission:

Labcorp Genetics (formerly Invitae), Labcorp
Classification: Uncertain significance for Hereditary cancer-predisposing syndrome. Last evaluated: 2022-10-02. Review status: criteria provided, single submitter. Criteria: Invitae Variant Classification Sherloc (09022015). Collection method: clinical testing. Allele origin: germline.
Comment: This variant is not present in population databases (gnomAD no frequency). This sequence change replaces tryptophan, which is neutral and slightly polar, with leucine, which is neutral and non-polar, at codon 1151 of the RAD50 protein (p.Trp1151Leu). This variant has not been reported in the literature in individuals affected with RAD50-related conditions. Advanced modeling of protein sequence and biophysical properties (such as structural, functional, and spatial information, amino acid conservation, physicochemical variation, residue mobility, and thermodynamic stability) performed at Invitae indicates that this missense variant is expected to disrupt RAD50 protein function. In summary, the available evidence is currently insufficient to determine the role of this variant in disease. Therefore, it has been classified as a Variant of Uncertain Significance.

NM_005732.4(RAD50):c.3452G>T (p.Trp1151Leu)

Genes: TH2LCRR (T helper type 2 locus control region associated RNA; minus strand), RAD50 (RAD50 double strand break repair protein; plus strand), TH2-LCR (Th2 cytokine locus control region; plus strand). Cytogenetic location: 5q31.1.
Variant type: single nucleotide variant.
Coding change: c.3452G>T on transcript NM_005732.4 (MANE Select); coding-DNA position 3452, G replaced by T.
Protein change: p.Trp1151Leu; replaces tryptophan 1151 with leucine.
Molecular consequence: missense variant.
Genome position (GRCh38, 1-based): chr5:132,637,177, G>T. VCF-style: chr5-132637177-G-T. GRCh37 (hg19) VCF-style: chr5-131972869-G-T.
Other names: short protein forms W1151L.
Identifiers: ClinVar variation 1720823 (VCV001720823.6), dbSNP rs2479424868, ClinGen allele CA360930374.